The following is an entry in ClinVar:

ClinVar aggregate classification (germline): Uncertain significance (1 of 4 stars; one submission).

Submission:

CeGaT Center for Human Genetics Tuebingen
Classification: Uncertain significance. Last evaluated: 2025-09-01. Review status: criteria provided, single submitter. Criteria: CeGaT Center For Human Genetics Tuebingen Variant Classification Criteria Version 2. Collection method: clinical testing. Allele origin: germline. Affected: yes. Observed: 1 variant allele.
Comment: TENM4: PM2

NM_001098816.3(TENM4):c.7895T>G (p.Leu2632Arg)

Gene: TENM4 (teneurin transmembrane protein 4; minus strand). Cytogenetic location: 11q14.1.
Variant type: single nucleotide variant.
Coding change: c.7895T>G on transcript NM_001098816.3 (MANE Select); coding-DNA position 7895, T replaced by G.
Protein change: p.Leu2632Arg; replaces leucine 2632 with arginine.
Molecular consequence: missense variant.
Genome position (GRCh38, 1-based): chr11:78,658,473, A>C on the plus strand (T>G on the coding strand, the complement: TENM4 is on the minus strand). VCF-style: chr11-78658473-A-C. GRCh37 (hg19) VCF-style: chr11-78369518-A-C.
Other names: short protein forms L2632R.
Identifiers: ClinVar variation 4280964 (VCV004280964.7).